The following is an entry in ClinVar:

NM_199420.4(POLQ):c.1624G>A (p.Gly542Arg)

Gene: POLQ (DNA polymerase theta; minus strand). Cytogenetic location: 3q13.33.
Variant type: single nucleotide variant.
Coding change: c.1624G>A on transcript NM_199420.4 (MANE Select); coding-DNA position 1624, G replaced by A.
Protein change: p.Gly542Arg; replaces glycine 542 with arginine.
Molecular consequence: missense variant.
Genome position (GRCh38, 1-based): chr3:121,510,231, C>T on the plus strand (G>A on the coding strand, the complement: POLQ is on the minus strand). VCF-style: chr3-121510231-C-T. GRCh37 (hg19) VCF-style: chr3-121229078-C-T.
Other names: short protein forms G542R.
Identifiers: ClinVar variation 3229848 (VCV003229848.1), dbSNP rs1233752164, ClinGen allele CA354115304.
Genomic context (GRCh38, chr3:121,510,231, plus strand): 5'-TTGCAGCCAAAAATGTGCAGGCAGCATAAGTATGCATATCTTGTGATGTACTTGCCACTC[C>T]ACCAACTATTATCTGAAAGAAGATATTTGGAAATTTCTGTAGCTTTTTAAGAAAACATGC-3'
Protein context (NP_955452.3, residues 532-552): IRAILEIIVG[Gly542Arg]VASTSQDMHT

ClinVar aggregate classification (germline): Uncertain significance (1 of 4 stars; one submission).

Allele frequency attached by ClinVar (database versions not stated): gnomAD exomes below 0.00001; TOPMed below 0.00001.
gnomAD v4.1: 2 of 1,609,890 alleles (0.00012%); highest among the groups gnomAD compares: Non-Finnish European, 0.00017%; no homozygotes.

Submission:

Ambry Genetics
Classification: Uncertain significance. Last evaluated: 2023-12-29. Review status: criteria provided, single submitter. Criteria: Ambry Variant Classification Scheme 2023. Collection method: clinical testing. Allele origin: germline.
Comment: The p.G542R variant (also known as c.1624G>A), located in coding exon 11 of the POLQ gene, results from a G to A substitution at nucleotide position 1624. The glycine at codon 542 is replaced by arginine, an amino acid with dissimilar properties. This amino acid position is conserved. In addition, this alteration is predicted to be tolerated by in silico analysis. Since supporting evidence is limited at this time, the clinical significance of this alteration remains unclear.